The following is an entry in ClinVar:

NM_033056.4(PCDH15):c.5397C>T (p.Ser1799=)

Gene: PCDH15 (protocadherin related 15; minus strand). Cytogenetic location: 10q21.1.
Variant type: single nucleotide variant.
Coding change: c.5397C>T on transcript NM_033056.4 (MANE Plus Clinical); coding-DNA position 5397, C replaced by T.
Protein change: p.Ser1799=; no amino-acid change (serine 1799 retained).
Molecular consequence: synonymous variant. On other transcripts: intron variant (8).
Genome position (GRCh38, 1-based): chr10:53,822,329, G>A on the plus strand (C>T on the coding strand, the complement: PCDH15 is on the minus strand). VCF-style: chr10-53822329-G-A. GRCh37 (hg19) VCF-style: chr10-55582089-G-A.
Other names: c.5418C>T, p.Ser1806= (NM_001142763.2); c.5403C>T, p.Ser1801= (NM_001142764.2); c.5190C>T, p.Ser1730= (NM_001142765.2); c.5388C>T, p.Ser1796= (NM_001142766.2); c.5277C>T, p.Ser1759= (NM_001142767.2); c.5337C>T, p.Ser1779= (NM_001142768.2); c.5328C>T, p.Ser1776= (NM_001142773.2); c.5331C>T, p.Ser1777= (NM_001354404.2); and 7 more.
Identifiers: ClinVar variation 164897 (VCV000164897.17), dbSNP rs367881384, ClinGen allele CA177577.

ClinVar aggregate classification (germline): Likely benign. Review status: criteria provided, multiple submitters, no conflicts (2 of 4 stars). 4 submissions from 4 submitters: Likely benign (4). Last evaluated 2026-01-28.

Conditions:
PCDH15-related disorder. Also called: PCDH15-related condition; PCDH15-related disorders.

Allele frequency attached by ClinVar (database versions not stated): ESP Exome Variant Server 0.00008; gnomAD exomes 0.00008 and 0.00015; ExAC 0.00012; gnomAD 0.00009; TOPMed 0.00012.
gnomAD v4.1: 250 of 1,597,518 alleles (0.016%); highest among the groups gnomAD compares: Non-Finnish European, 0.018%; no homozygotes.

Submissions (4):

Labcorp Genetics (formerly Invitae), Labcorp
Classification: Likely benign. Last evaluated: 2026-01-28. Review status: criteria provided, single submitter. Criteria: Invitae Variant Classification Sherloc (09022015). Collection method: clinical testing. Allele origin: germline.

PreventionGenetics, part of Exact Sciences
Classification: Likely benign for PCDH15-related condition. Last evaluated: 2024-12-17. Review status: criteria provided, single submitter. Criteria: ACMG Guidelines, 2015. Collection method: clinical testing. Allele origin: germline.
Comment: This variant is classified as likely benign based on ACMG/AMP sequence variant interpretation guidelines (Richards et al. 2015 PMID: 25741868, with internal and published modifications).

Blueprint Genetics
Classification: Likely benign. Last evaluated: 2023-10-27. Review status: criteria provided, single submitter. Criteria: ACMG Guidelines, 2015. Collection method: clinical testing. Allele origin: germline.

Laboratory for Molecular Medicine, Mass General Brigham Personalized Medicine
Classification: Likely benign. Last evaluated: 2017-12-14. Review status: criteria provided, single submitter. Criteria: LMM Criteria. Collection method: clinical testing. Allele origin: germline. Observed: 3 variant alleles.
Comment: p.Ser1799Ser in Exon 33 of PCDH15: This variant is not expected to have clinical significance because it does not alter an amino acid residue, is not located wi thin the splice consensus sequence, and has been identified in 15/212732 all chr omosomes in multiple populations by the Genome Aggregation Database (gnomAD; dbSNP rs367881384).